The following is an entry in ClinVar:

ClinVar aggregate classification (germline): Uncertain significance (1 of 4 stars; one submission).

Allele frequency attached by ClinVar (database versions not stated): TOPMed 0.00002; gnomAD 0.00002.

Submission:

Labcorp Genetics (formerly Invitae), Labcorp
Classification: Uncertain significance. Last evaluated: 2024-05-06. Review status: criteria provided, single submitter. Criteria: Invitae Variant Classification Sherloc (09022015). Collection method: clinical testing. Allele origin: germline.
Comment: This sequence change replaces arginine, which is basic and polar, with glutamine, which is neutral and polar, at codon 29 of the FAM186B protein (p.Arg29Gln). This variant is present in population databases (rs538281392, gnomAD 0.007%). This variant has not been reported in the literature in individuals affected with FAM186B-related conditions. ClinVar contains an entry for this variant (Variation ID: 2072230). An algorithm developed to predict the effect of missense changes on protein structure and function (PolyPhen-2) suggests that this variant is likely to be disruptive. In summary, the available evidence is currently insufficient to determine the role of this variant in disease. Therefore, it has been classified as a Variant of Uncertain Significance.

NM_032130.3(FAM186B):c.86G>A (p.Arg29Gln)

Gene: FAM186B (family with sequence similarity 186 member B; minus strand). Cytogenetic location: 12q13.12.
Variant type: single nucleotide variant.
Coding change: c.86G>A on transcript NM_032130.3 (MANE Select); coding-DNA position 86, G replaced by A.
Protein change: p.Arg29Gln; replaces arginine 29 with glutamine.
Molecular consequence: missense variant. On other transcripts: non-coding transcript variant (1).
Genome position (GRCh38, 1-based): chr12:49,605,392, C>T on the plus strand (G>A on the coding strand, the complement: FAM186B is on the minus strand). VCF-style: chr12-49605392-C-T. GRCh37 (hg19) VCF-style: chr12-49999175-C-T.
Other names: short protein forms R29Q.
Identifiers: ClinVar variation 2072230 (VCV002072230.4), dbSNP rs538281392, ClinGen allele CA236677373.
Genomic context (GRCh38, chr12:49,605,392, plus strand): 5'-CTCCGCATCAGATCCCAATGTAAGAGTGATTCCTTCATCTCAGGGGCTACCTCTTGAGCC[C>T]GAGTTAGCTGGGCAGCCTCAATCCTCAGGATGATGGCTTTCACTGATGTGGGAGTCACCA-3'
Protein context (NP_115506.1, residues 19-39): ILRIEAAQLT[Arg29Gln]AQEDISTQLS